The following is an entry in ClinVar:

ClinVar aggregate classification (germline): Uncertain significance (1 of 4 stars; one submission).

Conditions:
Pseudohypoaldosteronism type 2C (PHA2C). Also called: Pseudohypoaldosteronism Type IIC. Identifiers: Orphanet 757, Orphanet 88940, MedGen C1840391, MONDO:0013778, OMIM 614492.
Neuropathy, hereditary sensory and autonomic, type 2A (HSAN2A). Also called: ACROOSTEOLYSIS, GIACCAI TYPE; ACROOSTEOLYSIS, NEUROGENIC; MORVAN DISEASE; NEUROPATHY, CONGENITAL SENSORY; NEUROPATHY, HEREDITARY SENSORY RADICULAR, AUTOSOMAL RECESSIVE; NEUROPATHY, HEREDITARY SENSORY, TYPE IIA. Identifiers: Orphanet 970, MedGen C2752089, MONDO:0024309, OMIM 201300.

Allele frequency attached by ClinVar (database versions not stated): gnomAD exomes below 0.00001 and 0.00001.
gnomAD v4.1: 2 of 1,614,102 alleles (0.00012%); highest among the groups gnomAD compares: East Asian, 0.0022%; no homozygotes.

Submission:

Labcorp Genetics (formerly Invitae), Labcorp
Classification: Uncertain significance for Neuropathy, hereditary sensory and autonomic, type 2A; Pseudohypoaldosteronism type 2C. Last evaluated: 2020-04-15. Review status: criteria provided, single submitter. Criteria: Invitae Variant Classification Sherloc (09022015). Collection method: clinical testing. Allele origin: germline.
Comment: This sequence change replaces proline with serine at codon 645 of the WNK1 protein (p.Pro645Ser). The proline residue is highly conserved and there is a moderate physicochemical difference between proline and serine. This variant is not present in population databases (ExAC no frequency). This variant has not been reported in the literature in individuals with WNK1-related conditions. Algorithms developed to predict the effect of missense changes on protein structure and function are either unavailable or do not agree on the potential impact of this missense change (SIFT: "Deleterious"; PolyPhen-2: "Not Available"; Align-GVGD: "Class C65"). In summary, the available evidence is currently insufficient to determine the role of this variant in disease. Therefore, it has been classified as a Variant of Uncertain Significance.

NM_018979.4(WNK1):c.1933C>T (p.Pro645Ser)

Gene: WNK1 (WNK lysine deficient protein kinase 1; plus strand). Cytogenetic location: 12p13.33.
Variant type: single nucleotide variant.
Coding change: c.1933C>T on transcript NM_018979.4 (MANE Select); coding-DNA position 1933, C replaced by T.
Protein change: p.Pro645Ser; replaces proline 645 with serine.
Molecular consequence: missense variant.
Genome position (GRCh38, 1-based): chr12:861,325, C>T. VCF-style: chr12-861325-C-T. GRCh37 (hg19) VCF-style: chr12-970491-C-T.
Other names: c.1933C>T, p.Pro645Ser (NM_014823.3, NM_213655.5, NM_001184985.2); short protein forms P645S.
Identifiers: ClinVar variation 1000257 (VCV001000257.8), dbSNP rs1366436798, ClinGen allele CA383335905.